The following is an entry in ClinVar:

ClinVar aggregate classification (germline): Uncertain significance (1 of 4 stars; one submission).

Conditions:
Dyskeratosis congenita. Identifiers: Orphanet 1775, MedGen C0265965, MONDO:0015780.

Allele frequency attached by ClinVar (database versions not stated): gnomAD exomes below 0.00001; TOPMed below 0.00001.

Submission:

Labcorp Genetics (formerly Invitae), Labcorp
Classification: Uncertain significance for Dyskeratosis congenita. Last evaluated: 2021-04-29. Review status: criteria provided, single submitter. Criteria: Invitae Variant Classification Sherloc (09022015). Collection method: clinical testing. Allele origin: germline.
Comment: This variant has not been reported in the literature in individuals with NHP2-related conditions. Algorithms developed to predict the effect of missense changes on protein structure and function are either unavailable or do not agree on the potential impact of this missense change (SIFT: "Deleterious"; PolyPhen-2: "Benign"; Align-GVGD: "Class C0"). In summary, the available evidence is currently insufficient to determine the role of this variant in disease. Therefore, it has been classified as a Variant of Uncertain Significance. This variant is not present in population databases (ExAC no frequency). This sequence change replaces threonine with isoleucine at codon 23 of the NHP2 protein (p.Thr23Ile). The threonine residue is weakly conserved and there is a moderate physicochemical difference between threonine and isoleucine.

NM_017838.4(NHP2):c.68C>T (p.Thr23Ile)

Gene: NHP2 (NHP2 ribonucleoprotein; minus strand). Cytogenetic location: 5q35.3.
Variant type: single nucleotide variant.
Coding change: c.68C>T on transcript NM_017838.4 (MANE Select); coding-DNA position 68, C replaced by T.
Protein change: p.Thr23Ile; replaces threonine 23 with isoleucine.
Molecular consequence: missense variant.
Genome position (GRCh38, 1-based): chr5:178,153,750, G>A on the plus strand (C>T on the coding strand, the complement: NHP2 is on the minus strand). VCF-style: chr5-178153750-G-A. GRCh37 (hg19) VCF-style: chr5-177580751-G-A.
Other names: c.68C>T, p.Thr23Ile (NM_001034833.2); short protein forms T23I.
Identifiers: ClinVar variation 1444887 (VCV001444887.7), dbSNP rs1341101133, ClinGen allele CA362393023.